The following is an entry in ClinVar:

ClinVar aggregate classification (germline): Uncertain significance. Review status: criteria provided, multiple submitters, no conflicts (2 of 4 stars). 2 submissions from 2 submitters: Uncertain significance (2). Last evaluated 2025-12-09.

Conditions:
Hereditary cancer-predisposing syndrome. Also called: Hereditary neoplastic syndrome; Neoplastic Syndromes, Hereditary; Hereditary Cancer Syndrome; Tumor predisposition. Identifiers: Orphanet 140162, MedGen C0027672, MeSH D009386, MONDO:0015356.
Hereditary nonpolyposis colorectal neoplasms. Identifiers: MedGen C0009405, MeSH D003123.

Allele frequency attached by ClinVar (database versions not stated): gnomAD exomes below 0.00001.
gnomAD v4.1: 1 of 1,613,804 alleles (0.000062%); highest among the groups gnomAD compares: South Asian, 0.0011%; no homozygotes.

Submissions (2):

Ambry Genetics
Classification: Uncertain significance for Hereditary cancer-predisposing syndrome. Last evaluated: 2025-12-09. Review status: criteria provided, single submitter. Criteria: Ambry Variant Classification Scheme 2023. Collection method: clinical testing. Allele origin: germline.
Comment: The p.S1297R variant (also known as c.3891C>G), located in coding exon 9 of the MSH6 gene, results from a C to G substitution at nucleotide position 3891. The serine at codon 1297 is replaced by arginine, an amino acid with dissimilar properties. This amino acid position is highly conserved in available vertebrate species. In addition, this alteration is predicted to be deleterious by in silico analysis. Based on the available evidence, the clinical significance of this variant remains unclear.

Labcorp Genetics (formerly Invitae), Labcorp
Classification: Uncertain significance for Hereditary nonpolyposis colorectal neoplasms. Last evaluated: 2023-10-14. Review status: criteria provided, single submitter. Criteria: Invitae Variant Classification Sherloc (09022015). Collection method: clinical testing. Allele origin: germline.
Comment: This sequence change replaces serine, which is neutral and polar, with arginine, which is basic and polar, at codon 1297 of the MSH6 protein (p.Ser1297Arg). This variant is not present in population databases (gnomAD no frequency). This variant has not been reported in the literature in individuals affected with MSH6-related conditions. Advanced modeling of protein sequence and biophysical properties (such as structural, functional, and spatial information, amino acid conservation, physicochemical variation, residue mobility, and thermodynamic stability) has been performed at Invitae for this missense variant, however the output from this modeling did not meet the statistical confidence thresholds required to predict the impact of this variant on MSH6 protein function. Algorithms developed to predict the effect of sequence changes on RNA splicing suggest that this variant may create or strengthen a splice site. In summary, the available evidence is currently insufficient to determine the role of this variant in disease. Therefore, it has been classified as a Variant of Uncertain Significance.

NM_000179.3(MSH6):c.3891C>G (p.Ser1297Arg)

Gene: MSH6 (mutS homolog 6; plus strand). Cytogenetic location: 2p16.3.
Variant type: single nucleotide variant.
Coding change: c.3891C>G on transcript NM_000179.3 (MANE Select); coding-DNA position 3891, C replaced by G.
Protein change: p.Ser1297Arg; replaces serine 1297 with arginine.
Molecular consequence: missense variant. On other transcripts: non-coding transcript variant (5), intron variant (1).
Genome position (GRCh38, 1-based): chr2:47,806,541, C>G. VCF-style: chr2-47806541-C-G. GRCh37 (hg19) VCF-style: chr2-48033680-C-G.
Other names: c.3891C>G, p.Ser1297Arg (NM_001406809.1, NM_001406796.1, NM_001406808.1); c.2985C>G, p.Ser995Arg (NM_001406811.1, NM_001406812.1, NM_001406814.1 and 6 more transcripts); c.3897C>G, p.Ser1299Arg (NM_001406813.1); c.2325C>G, p.Ser775Arg (NM_001406817.1); c.3594C>G, p.Ser1198Arg (NM_001406819.1, NM_001406820.1, NM_001406821.1 and 10 more transcripts); c.3501C>G, p.Ser1167Arg (NM_001281492.2); c.3987C>G, p.Ser1329Arg (NM_001406795.1); c.3717C>G, p.Ser1239Arg (NM_001406798.1); and 9 more; short protein forms S1167R, S1271R, S1297R, S1299R, S1009R, S1122R, S1329R, S224R.
Identifiers: ClinVar variation 2768182 (VCV002768182.4), dbSNP rs1558393726, ClinGen allele CA346761399.